The following is an entry in ClinVar:

ClinVar aggregate classification (germline): Pathogenic (1 of 4 stars; one submission).

Submission:

CeGaT Center for Human Genetics Tuebingen
Classification: Pathogenic. Last evaluated: 2026-08-01. Review status: criteria provided, single submitter. Criteria: CeGaT Center For Human Genetics Tuebingen Variant Classification Criteria Version 2. Collection method: clinical testing. Allele origin: germline. Affected: yes. Observed: 1 variant allele.
Comment: ANK1: PVS1, PM2

NM_000037.4(ANK1):c.3910_3924delinsTTCA (p.Val1304fs)

Gene: ANK1 (ankyrin 1; minus strand). Cytogenetic location: 8p11.21.
Variant type: Indel.
Coding change: c.3910_3924delinsTTCA on transcript NM_000037.4 (MANE Select); coding-DNA positions 3910 to 3924, GTGAAGAAAGCTGCC replaced by TTCA.
Protein change: p.Val1304fs; shifts the reading frame from valine 1304.
Molecular consequence: frameshift variant.
Genome position (GRCh38, 1-based): chr8:41,690,534-41,690,548, GGCAGCTTTCTTCAC replaced by TGAA on the plus strand (GTGAAGAAAGCTGCC replaced by TTCA on the coding strand, the reverse complement: ANK1 is on the minus strand). VCF-style: chr8-41690534-GGCAGCTTTCTTCAC-TGAA. GRCh37 (hg19) VCF-style: chr8-41548052-GGCAGCTTTCTTCAC-TGAA.
Other names: c.4033_4047delinsTTCA, p.Val1345fs (NM_001142446.2); c.3910_3924delinsTTCA, p.Val1304fs (NM_020475.3, NM_020476.3, NM_020477.3); short protein forms V1304fs, V1345fs.
Identifiers: ClinVar variation 5040758 (VCV005040758.1).
Genomic context (GRCh38, chr8:41,690,534, plus strand): 5'-CTTTACAGGCATGGCCAGACGGTTCTCCCGAAATGACTGGAAGTGGAAGCTCCGCTGCTG[GGCAGCTTTCTTCAC>TGAA]AGGCACCAGGTTCCCAGAGAGTTCTGCAAACAGGGACATTCCTTCCAACACCTGCAGGAG-3'